The following is an entry in ClinVar:

ClinVar aggregate classification (germline): Uncertain significance. Review status: criteria provided, multiple submitters, no conflicts (2 of 4 stars). 2 submissions from 2 submitters: Uncertain significance (2). Last evaluated 2025-10-07.

Conditions:
Hereditary nonpolyposis colorectal neoplasms. Identifiers: MedGen C0009405, MeSH D003123.
Hereditary cancer-predisposing syndrome. Also called: Neoplastic Syndromes, Hereditary; Hereditary Cancer Syndrome; Hereditary neoplastic syndrome; Tumor predisposition. Identifiers: Orphanet 140162, MedGen C0027672, MeSH D009386, MONDO:0015356.

Allele frequency attached by ClinVar (database versions not stated): gnomAD exomes below 0.00001.
gnomAD v4.1: 1 of 1,613,942 alleles (0.000062%); highest among the groups gnomAD compares: Non-Finnish European, 0.000085%; no homozygotes.

Submissions (2):

Labcorp Genetics (formerly Invitae), Labcorp
Classification: Uncertain significance for Hereditary nonpolyposis colorectal neoplasms. Last evaluated: 2025-10-07. Review status: criteria provided, single submitter. Criteria: Invitae Variant Classification Sherloc (09022015). Collection method: clinical testing. Allele origin: germline.
Comment: This sequence change replaces alanine, which is neutral and non-polar, with valine, which is neutral and non-polar, at codon 1220 of the MSH6 protein (p.Ala1220Val). This variant is not present in population databases (gnomAD no frequency). This variant has not been reported in the literature in individuals affected with MSH6-related conditions. ClinVar contains an entry for this variant (Variation ID: 1060721). Invitae Evidence Modeling of protein sequence and biophysical properties (such as structural, functional, and spatial information, amino acid conservation, physicochemical variation, residue mobility, and thermodynamic stability) has been performed for this missense variant. However, the output from this modeling did not meet the statistical confidence thresholds required to predict the impact of this variant on MSH6 protein function. In summary, the available evidence is currently insufficient to determine the role of this variant in disease. Therefore, it has been classified as a Variant of Uncertain Significance.

Ambry Genetics
Classification: Uncertain significance for Hereditary cancer-predisposing syndrome. Last evaluated: 2025-09-29. Review status: criteria provided, single submitter. Criteria: Ambry Variant Classification Scheme 2023. Collection method: clinical testing. Allele origin: germline.
Comment: The p.A1220V variant (also known as c.3659C>T), located in coding exon 8 of the MSH6 gene, results from a C to T substitution at nucleotide position 3659. The alanine at codon 1220 is replaced by valine, an amino acid with similar properties. This amino acid position is highly conserved in available vertebrate species. In addition, this alteration is predicted to be deleterious by in silico analysis. Based on the available evidence, the clinical significance of this variant remains unclear.

NM_000179.3(MSH6):c.3659C>T (p.Ala1220Val)

Gene: MSH6 (mutS homolog 6; plus strand). Cytogenetic location: 2p16.3.
Variant type: single nucleotide variant.
Coding change: c.3659C>T on transcript NM_000179.3 (MANE Select); coding-DNA position 3659, C replaced by T.
Protein change: p.Ala1220Val; replaces alanine 1220 with valine.
Molecular consequence: missense variant.
Genome position (GRCh38, 1-based): chr2:47,806,216, C>T. VCF-style: chr2-47806216-C-T. GRCh37 (hg19) VCF-style: chr2-48033355-C-T.
Other names: c.3269C>T, p.Ala1090Val (NM_001281492.2); c.2753C>T, p.Ala918Val (NM_001281493.2, NM_001281494.2); short protein forms A1090V, A1220V, A918V.
Identifiers: ClinVar variation 1060721 (VCV001060721.10), dbSNP rs2104537293, ClinGen allele CA346760831.